The following is an entry in ClinVar:

ClinVar aggregate classification (germline): Conflicting classifications of pathogenicity. Review status: criteria provided, conflicting classifications (1 of 4 stars). 2 submissions from 2 submitters: Uncertain significance (1); Likely benign (1). Last evaluated 2025-03-11.

Conditions:
Familial hypobetalipoproteinemia 1. Also called: APOB-Related Familial Hypobetalipoproteinemia; Hypobetalipoproteinemia, normotriglyceridemic; Acanthocytosis with hypobetalipoproteinemia. Identifiers: MedGen C4551990, MONDO:0014252, OMIM 615558.
Hypercholesterolemia, autosomal dominant, type B (FHCL2). Also called: Familial Hypercholesterolemia Type B; APOLIPOPROTEIN B-100, FAMILIAL DEFECTIVE; APOLIPOPROTEIN B-100, FAMILIAL LIGAND-DEFECTIVE; HYPERCHOLESTEROLEMIA, FAMILIAL, DUE TO LIGAND-DEFECTIVE APOLIPOPROTEIN B; Hyperlipoproteinemia Type IIb; Familial hypercholesterolemia 2. Identifiers: MedGen C1704417, MONDO:0007751, OMIM 144010.

Allele frequency attached by ClinVar (database versions not stated): gnomAD exomes below 0.00001; TOPMed below 0.00001.

Submissions (2):

GeneDx
Classification: Uncertain significance. Last evaluated: 2025-03-11. Review status: criteria provided, single submitter. Criteria: GeneDx Variant Classification Process June 2021. Collection method: clinical testing. Allele origin: germline. Affected: yes.
Comment: Not observed at significant frequency in large population cohorts (gnomAD); In silico analysis supports that this missense variant has a deleterious effect on protein structure/function; Has not been previously published as pathogenic or benign to our knowledge

Labcorp Genetics (formerly Invitae), Labcorp
Classification: Likely benign for Familial hypobetalipoproteinemia 1; Hypercholesterolemia, autosomal dominant, type B. Last evaluated: 2023-05-16. Review status: criteria provided, single submitter. Criteria: Invitae Variant Classification Sherloc (09022015). Collection method: clinical testing. Allele origin: germline.

NM_000384.3(APOB):c.5429A>G (p.Asn1810Ser)

Gene: APOB (apolipoprotein B; minus strand). Cytogenetic location: 2p24.1.
Variant type: single nucleotide variant.
Coding change: c.5429A>G on transcript NM_000384.3 (MANE Select); coding-DNA position 5429, A replaced by G.
Protein change: p.Asn1810Ser; replaces asparagine 1810 with serine.
Molecular consequence: missense variant.
Genome position (GRCh38, 1-based): chr2:21,011,439, T>C on the plus strand (A>G on the coding strand, the complement: APOB is on the minus strand). VCF-style: chr2-21011439-T-C. GRCh37 (hg19) VCF-style: chr2-21234311-T-C.
Other names: c.5429A>G (NM_000384.2); short protein forms N1810S.
Identifiers: ClinVar variation 2947829 (VCV002947829.4), dbSNP rs971466968, ClinGen allele CA43506853.